The following is an entry in ClinVar:

ClinVar aggregate classification (germline): Uncertain significance (1 of 4 stars; one submission).

Allele frequency attached by ClinVar (database versions not stated): gnomAD 0.00001.
gnomAD v4.1: 5 of 1,590,412 alleles (0.00031%); highest among the groups gnomAD compares: African/African-American, 0.0027%; no homozygotes.

Submission:

Labcorp Genetics (formerly Invitae), Labcorp
Classification: Uncertain significance. Last evaluated: 2023-07-12. Review status: criteria provided, single submitter. Criteria: Invitae Variant Classification Sherloc (09022015). Collection method: clinical testing. Allele origin: germline.
Comment: This sequence change falls in intron 1 of the POMP gene. It does not directly change the encoded amino acid sequence of the POMP protein. It affects a nucleotide within the consensus splice site. This variant is not present in population databases (gnomAD no frequency). This variant has not been reported in the literature in individuals affected with POMP-related conditions. Variants that disrupt the consensus splice site are a relatively common cause of aberrant splicing (PMID: 17576681, 9536098). Algorithms developed to predict the effect of sequence changes on RNA splicing suggest that this variant may create or strengthen a splice site. In summary, the available evidence is currently insufficient to determine the role of this variant in disease. Therefore, it has been classified as a Variant of Uncertain Significance.

Literature cited by the submitters: PubMed 17576681; PubMed 9536098.

NM_015932.6(POMP):c.3+3G>C

Gene: POMP (proteasome maturation protein; plus strand). Cytogenetic location: 13q12.3.
Variant type: single nucleotide variant.
Coding change: c.3+3G>C on transcript NM_015932.6 (MANE Select); 3 bases into the intron after coding-DNA position 3, G replaced by C.
Molecular consequence: intron variant.
Genome position (GRCh38, 1-based): chr13:28,659,190, G>C. VCF-style: chr13-28659190-G-C. GRCh37 (hg19) VCF-style: chr13-29233327-G-C.
Identifiers: ClinVar variation 2785605 (VCV002785605.3), dbSNP rs1360583229, ClinGen allele CA697096861.